The following is an entry in ClinVar:

NM_002661.5(PLCG2):c.2994C>A (p.Asp998Glu)

Gene: PLCG2 (phospholipase C gamma 2; plus strand). Cytogenetic location: 16q23.3.
Variant type: single nucleotide variant.
Coding change: c.2994C>A on transcript NM_002661.5 (MANE Select); coding-DNA position 2994, C replaced by A.
Protein change: p.Asp998Glu; replaces aspartic acid 998 with glutamic acid.
Molecular consequence: missense variant.
Genome position (GRCh38, 1-based): chr16:81,936,320, C>A. VCF-style: chr16-81936320-C-A. GRCh37 (hg19) VCF-style: chr16-81969925-C-A.
Other names: short protein forms D998E.
Identifiers: ClinVar variation 857334 (VCV000857334.9), dbSNP rs766228601, ClinGen allele CA8194502.

ClinVar aggregate classification (germline): Uncertain significance (1 of 4 stars; one submission).

Conditions:
Familial cold autoinflammatory syndrome 3 (FCAS3). Also called: FAMILIAL ATYPICAL COLD URTICARIA; ANTIBODY DEFICIENCY AND IMMUNE DYSREGULATION, PLCG2-ASSOCIATED. Identifiers: Orphanet 300359, MedGen C3280914, MONDO:0013766, OMIM 614468.

gnomAD v4.1: 8 of 1,614,226 alleles (0.0005%); highest among the groups gnomAD compares: Admixed American, 0.0067%; no homozygotes.

Submission:

Labcorp Genetics (formerly Invitae), Labcorp
Classification: Uncertain significance for Familial cold autoinflammatory syndrome 3. Last evaluated: 2025-01-06. Review status: criteria provided, single submitter. Criteria: Invitae Variant Classification Sherloc (09022015). Collection method: clinical testing. Allele origin: germline.
Comment: This sequence change replaces aspartic acid, which is acidic and polar, with glutamic acid, which is acidic and polar, at codon 998 of the PLCG2 protein (p.Asp998Glu). This variant is present in population databases (rs766228601, gnomAD 0.0009%). This variant has not been reported in the literature in individuals affected with PLCG2-related conditions. ClinVar contains an entry for this variant (Variation ID: 857334). An algorithm developed to predict the effect of missense changes on protein structure and function (PolyPhen-2) suggests that this variant is likely to be disruptive. In summary, the available evidence is currently insufficient to determine the role of this variant in disease. Therefore, it has been classified as a Variant of Uncertain Significance.